The following is an entry in ClinVar:

ClinVar aggregate classification (germline): Likely benign (1 of 4 stars; one submission).

Conditions:
PHRF1-related disorder. Also called: PHRF1-related condition.

Submission:

PreventionGenetics, part of Exact Sciences
Classification: Likely benign for PHRF1-related condition. Last evaluated: 2026-05-07. Review status: criteria provided, single submitter. Criteria: ACMG Guidelines, 2015. Collection method: clinical testing. Allele origin: germline.
Comment: This variant is classified as likely benign based on ACMG/AMP sequence variant interpretation guidelines (Richards et al. 2015 PMID: 25741868, with internal and published modifications).

NM_001286581.2(PHRF1):c.1473G>A (p.Ala491=)

Gene: PHRF1 (PHD and ring finger domains 1; plus strand). Cytogenetic location: 11p15.5.
Variant type: single nucleotide variant.
Coding change: c.1473G>A on transcript NM_001286581.2 (MANE Select); coding-DNA position 1473, G replaced by A.
Protein change: p.Ala491=; no amino-acid change (alanine 491 retained).
Molecular consequence: synonymous variant.
Genome position (GRCh38, 1-based): chr11:606,460, G>A. VCF-style: chr11-606460-G-A. GRCh37 (hg19) VCF-style: chr11-606460-G-A.
Other names: c.1467G>A, p.Ala489= (NM_001286582.2); c.1461G>A, p.Ala487= (NM_001286583.2); c.1470G>A, p.Ala490= (NM_020901.4).
Identifiers: ClinVar variation 4979589 (VCV004979589.1).